The following is an entry in ClinVar:

ClinVar aggregate classification (germline): Likely benign. Review status: criteria provided, multiple submitters, no conflicts (2 of 4 stars). 2 submissions from 2 submitters: Likely benign (2). Last evaluated 2026-02-19.

Conditions:
TRRAP-related disorder. Also called: TRRAP-related condition.

Allele frequency attached by ClinVar (database versions not stated): gnomAD 0.00003; ExAC 0.00004; TOPMed 0.00005; gnomAD exomes 0.00006; ESP Exome Variant Server 0.00015.
gnomAD v4.1: 93 of 1,613,846 alleles (0.0058%); highest among the groups gnomAD compares: Middle Eastern, 0.049%; no homozygotes.

Submissions (2):

PreventionGenetics, part of Exact Sciences
Classification: Likely benign for TRRAP-related condition. Last evaluated: 2026-02-19. Review status: criteria provided, single submitter. Criteria: ACMG Guidelines, 2015. Collection method: clinical testing. Allele origin: germline.
Comment: This variant is classified as likely benign based on ACMG/AMP sequence variant interpretation guidelines (Richards et al. 2015 PMID: 25741868, with internal and published modifications).

Labcorp Genetics (formerly Invitae), Labcorp
Classification: Likely benign. Last evaluated: 2025-10-20. Review status: criteria provided, single submitter. Criteria: Invitae Variant Classification Sherloc (09022015). Collection method: clinical testing. Allele origin: germline.

NM_001375524.1(TRRAP):c.5643C>T (p.Cys1881=)

Gene: TRRAP (transformation/transcription domain associated protein; plus strand). Cytogenetic location: 7q22.1.
Variant type: single nucleotide variant.
Coding change: c.5643C>T on transcript NM_001375524.1 (MANE Select); coding-DNA position 5643, C replaced by T.
Protein change: p.Cys1881=; no amino-acid change (cysteine 1881 retained).
Molecular consequence: synonymous variant.
Genome position (GRCh38, 1-based): chr7:98,953,346, C>T. VCF-style: chr7-98953346-C-T. GRCh37 (hg19) VCF-style: chr7-98550969-C-T.
Other names: c.5622C>T, p.Cys1874= (NM_001244580.2); c.5568C>T, p.Cys1856= (NM_003496.4); c.5568C>T (NM_003496.3).
Identifiers: ClinVar variation 2063510 (VCV002063510.5), dbSNP rs375782722, ClinGen allele CA4360619.